The following is an entry in ClinVar:

ClinVar aggregate classification (germline): Uncertain significance. Review status: criteria provided, multiple submitters, no conflicts (2 of 4 stars). 2 submissions from 2 submitters: Uncertain significance (2). Last evaluated 2026-08-12.

Conditions:
Autosomal recessive limb-girdle muscular dystrophy type 2J (LGMDR10). Also called: Limb-girdle muscular dystrophy, type 2J; MUSCULAR DYSTROPHY, LIMB-GIRDLE, AUTOSOMAL RECESSIVE 10. Identifiers: Orphanet 140922, MedGen C1837342, MONDO:0012127, OMIM 608807.
Dilated cardiomyopathy 1G (CMD1G). Identifiers: Orphanet 154, MedGen C1858763, MONDO:0011400, OMIM 604145.
TTN-related disorder. Also called: TTN-related condition; TTN-related disease; TTN-related disorders.

Allele frequency attached by ClinVar (database versions not stated): gnomAD exomes below 0.00001; ExAC 0.00001; gnomAD 0.00003; TOPMed 0.00003.
gnomAD v4.1: 4 of 1,613,760 alleles (0.00025%); highest among the groups gnomAD compares: African/African-American, 0.0053%; no homozygotes.

Submissions (2):

PreventionGenetics, part of Exact Sciences
Classification: Uncertain significance for TTN-related condition. Last evaluated: 2026-08-12. Review status: criteria provided, single submitter. Criteria: ACMG Guidelines, 2015. Collection method: clinical testing. Allele origin: germline.
Comment: The TTN c.89003A>T variant is predicted to result in the amino acid substitution p.Tyr29668Phe. To our knowledge, this variant has not been reported in the literature. This variant is reported in 0.0065% of alleles in individuals of African descent in gnomAD. At this time, the clinical significance of this variant is uncertain due to the absence of conclusive functional and genetic evidence.

Labcorp Genetics (formerly Invitae), Labcorp
Classification: Uncertain significance for Dilated cardiomyopathy 1G; Autosomal recessive limb-girdle muscular dystrophy type 2J. Last evaluated: 2017-06-22. Review status: criteria provided, single submitter. Criteria: Invitae Variant Classification Sherloc (09022015). Collection method: clinical testing. Allele origin: germline.

NM_001267550.2(TTN):c.89003A>T (p.Tyr29668Phe)

Genes: TTN (titin; minus strand), TTN-AS1 (TTN antisense RNA 1; plus strand). Cytogenetic location: 2q31.2.
Variant type: single nucleotide variant.
Coding change: c.89003A>T on transcript NM_001267550.2 (MANE Select); coding-DNA position 89003, A replaced by T.
Protein change: p.Tyr29668Phe; replaces tyrosine 29668 with phenylalanine.
Molecular consequence: missense variant.
Genome position (GRCh38, 1-based): chr2:178,554,108, T>A on the plus strand (A>T on the coding strand, the complement: TTN is on the minus strand). VCF-style: chr2-178554108-T-A. GRCh37 (hg19) VCF-style: chr2-179418835-T-A.
Other names: c.84080A>T, p.Tyr28027Phe (NM_001256850.1); c.61808A>T, p.Tyr20603Phe (NM_003319.4); c.81299A>T, p.Tyr27100Phe (NM_133378.4); c.62183A>T, p.Tyr20728Phe (NM_133432.3); c.62384A>T, p.Tyr20795Phe (NM_133437.4); short protein forms Y29668F, Y20603F, Y20728F, Y20795F, Y27100F, Y28027F.
Identifiers: ClinVar variation 467614 (VCV000467614.4), dbSNP rs760499831, ClinGen allele CA1988002.